The following is an entry in ClinVar:

NM_000455.5(STK11):c.135C>T (p.Leu45=)

Gene: STK11 (serine/threonine kinase 11; plus strand). Cytogenetic location: 19p13.3.
Variant type: single nucleotide variant.
Coding change: c.135C>T on transcript NM_000455.5 (MANE Select); coding-DNA position 135, C replaced by T.
Protein change: p.Leu45=; no amino-acid change (leucine 45 retained).
Molecular consequence: synonymous variant.
Genome position (GRCh38, 1-based): chr19:1,207,048, C>T. VCF-style: chr19-1207048-C-T. GRCh37 (hg19) VCF-style: chr19-1207047-C-T.
Identifiers: ClinVar variation 630947 (VCV000630947.14), dbSNP rs1362065365, ClinGen allele CA504706144.

ClinVar aggregate classification (germline): Benign/Likely benign. Review status: criteria provided, multiple submitters, no conflicts (2 of 4 stars). 4 submissions from 4 submitters: Benign (1); Likely benign (3). Last evaluated 2025-03-25.

Conditions:
Peutz-Jeghers syndrome (PJS). Also called: Peutz-Jeghers polyposis; Periorificial lentiginosis syndrome; POLYPOSIS, HAMARTOMATOUS INTESTINAL; POLYPS-AND-SPOTS SYNDROME. Identifiers: Orphanet 2869, MedGen C0031269, MeSH D010580, MONDO:0008280, OMIM 175200.
Hereditary cancer-predisposing syndrome. Also called: Hereditary Cancer Syndrome; Neoplastic Syndromes, Hereditary; Tumor predisposition; Hereditary neoplastic syndrome. Identifiers: Orphanet 140162, MedGen C0027672, MeSH D009386, MONDO:0015356.

Allele frequency attached by ClinVar (database versions not stated): gnomAD 0.00001.
gnomAD v4.1: 2 of 1,613,768 alleles (0.00012%); highest among the groups gnomAD compares: African/African-American, 0.0027%; no homozygotes.

Submissions (4):

Myriad Genetics, Inc.
Classification: Benign for Peutz-Jeghers syndrome. Last evaluated: 2025-03-25. Review status: criteria provided, single submitter. Criteria: Myriad Autosomal Dominant, Autosomal Recessive and X-Linked Classification Criteria (2023). Collection method: clinical testing. Allele origin: unknown.
Comment: This variant is considered benign. This variant is a silent/synonymous amino acid change and it is not expected to impact splicing.

Labcorp Genetics (formerly Invitae), Labcorp
Classification: Likely benign for Peutz-Jeghers syndrome. Last evaluated: 2024-03-21. Review status: criteria provided, single submitter. Criteria: Invitae Variant Classification Sherloc (09022015). Collection method: clinical testing. Allele origin: germline.

Ambry Genetics
Classification: Likely benign for Hereditary cancer-predisposing syndrome. Last evaluated: 2020-09-17. Review status: criteria provided, single submitter. Criteria: Ambry Variant Classification Scheme 2023. Collection method: clinical testing. Allele origin: germline.

Color Diagnostics, LLC DBA Color Health
Classification: Likely benign for Hereditary cancer-predisposing syndrome. Last evaluated: 2017-12-04. Review status: criteria provided, single submitter. Criteria: ACMG Guidelines, 2015. Collection method: clinical testing. Allele origin: germline.